The following is an entry in ClinVar:

ClinVar aggregate classification (germline): Uncertain significance (1 of 4 stars; one submission).

Conditions:
CDKN1C-related disorder. Also called: CDKN1C-related condition.

Submission:

PreventionGenetics, part of Exact Sciences
Classification: Uncertain significance for CDKN1C-related condition. Last evaluated: 2026-07-22. Review status: criteria provided, single submitter. Criteria: ACMG Guidelines, 2015. Collection method: clinical testing. Allele origin: germline.
Comment: The CDKN1C c.674A>C variant is predicted to result in the amino acid substitution p.Glu225Ala. To our knowledge, this variant has not been reported in the literature or in a large population database (gnomAD), indicating this variant is rare. At the time of reporting it was not present in ClinVar. At this time, the clinical significance of this variant is uncertain due to the absence of conclusive functional and genetic evidence.

NM_001122630.2(CDKN1C):c.641A>C (p.Glu214Ala)

Gene: CDKN1C (cyclin dependent kinase inhibitor 1C; minus strand). Cytogenetic location: 11p15.4.
Variant type: single nucleotide variant.
Coding change: c.641A>C on transcript NM_001122630.2 (MANE Select); coding-DNA position 641, A replaced by C.
Protein change: p.Glu214Ala; replaces glutamic acid 214 with alanine.
Molecular consequence: missense variant. On other transcripts: intron variant (1).
Genome position (GRCh38, 1-based): chr11:2,884,816, T>G on the plus strand (A>C on the coding strand, the complement: CDKN1C is on the minus strand). VCF-style: chr11-2884816-T-G. GRCh37 (hg19) VCF-style: chr11-2906046-T-G.
Other names: c.674A>C, p.Glu225Ala (NM_000076.2, NM_001362474.2); c.641A>C, p.Glu214Ala (NM_001122631.2); c.255+386A>C (NM_001362475.2); short protein forms E214A, E225A.
Identifiers: ClinVar variation 4992537 (VCV004992537.1).